The following is an entry in ClinVar:

NM_014629.4(ARHGEF10):c.2134G>T (p.Ala712Ser)

Gene: ARHGEF10 (Rho guanine nucleotide exchange factor 10; plus strand). Cytogenetic location: 8p23.3.
Variant type: single nucleotide variant.
Coding change: c.2134G>T on transcript NM_014629.4 (MANE Select); coding-DNA position 2134, G replaced by T.
Protein change: p.Ala712Ser; replaces alanine 712 with serine.
Molecular consequence: missense variant.
Genome position (GRCh38, 1-based): chr8:1,909,461, G>T. VCF-style: chr8-1909461-G-T. GRCh37 (hg19) VCF-style: chr8-1857627-G-T.
Other names: c.2020G>T, p.Ala674Ser (NM_001308152.2); c.2134G>T, p.Ala712Ser (NM_001308153.3); short protein forms A712S, A736S, A674S.
Identifiers: ClinVar variation 388721 (VCV000388721.2), dbSNP rs1057523214, ClinGen allele CA16605472.

ClinVar aggregate classification (germline): Conflicting classifications of pathogenicity. Review status: criteria provided, conflicting classifications (1 of 4 stars). 2 submissions from 2 submitters: Uncertain significance (1); Likely benign (1). Last evaluated 2020-02-27.

Conditions:
Autosomal dominant slowed nerve conduction velocity. Identifiers: Orphanet 140481, MedGen C1842357, MONDO:0011998, OMIM 608236.

Submissions (2):

Baylor Genetics
Classification: Uncertain significance for Autosomal dominant slowed nerve conduction velocity. Last evaluated: 2020-02-27. Review status: criteria provided, single submitter. Criteria: ACMG Guidelines, 2015. Collection method: clinical testing. Allele origin: unknown. Affected: yes.
Comment: This variant was determined to be of uncertain significance according to ACMG Guidelines, 2015 [PMID:25741868].

GeneDx
Classification: Likely benign. Last evaluated: 2016-09-01. Review status: criteria provided, single submitter. Criteria: GeneDx Variant Classification (06012015). Collection method: clinical testing. Allele origin: germline. Affected: yes.
Comment: This variant is considered likely benign or benign based on one or more of the following criteria: it is a conservative change, it occurs at a poorly conserved position in the protein, it is predicted to be benign by multiple in silico algorithms, and/or has population frequency not consistent with disease.